The following is an entry in ClinVar:

ClinVar aggregate classification (germline): Likely pathogenic (1 of 4 stars; one submission).

Conditions:
Primary ciliary dyskinesia. Also called: Ciliary dyskinesia. Identifiers: Orphanet 244, MedGen C0008780, MONDO:0016575, HP:0012265.

Submission:

Labcorp Genetics (formerly Invitae), Labcorp
Classification: Likely pathogenic for Primary ciliary dyskinesia. Last evaluated: 2021-01-12. Review status: criteria provided, single submitter. Criteria: Invitae Variant Classification Sherloc (09022015). Collection method: clinical testing. Allele origin: germline.
Comment: In summary, the currently available evidence indicates that the variant is pathogenic, but additional data are needed to prove that conclusively. Therefore, this variant has been classified as Likely Pathogenic. This variant disrupts the p.Arg3539 amino acid residue in DNAH5. Other variant(s) that disrupt this residue have been determined to be pathogenic (PMID: 22416021,24498942, 22499950, 26373788). This suggests that this residue is clinically significant, and that variants that disrupt this residue are likely to be disease-causing. This variant has not been reported in the literature in individuals with DNAH5-related conditions. This variant is an in-frame deletion of the genomic region encompassing exon(s) 62-63 of the DNAH5 gene. It preserves the integrity of the reading frame.

Literature cited by the submitters: PubMed 22416021; PubMed 24498942; PubMed 22499950; PubMed 26373788.

NC_000005.9:g.(?_13753332)_(13754457_?)del

Gene: DNAH5 (dynein axonemal heavy chain 5; minus strand). Cytogenetic location: 5p15.2.
Variant type: Deletion.
Identifiers: ClinVar variation 1066939 (VCV001066939.15).